The following is an entry in ClinVar:

NM_002691.4(POLD1):c.2940_2941delinsTT (p.Glu980_Ala981delinsAspSer)

Gene: POLD1 (DNA polymerase delta 1, catalytic subunit; plus strand). Cytogenetic location: 19q13.33.
Variant type: Indel.
Coding change: c.2940_2941delinsTT on transcript NM_002691.4 (MANE Select); coding-DNA positions 2940 to 2941, GG replaced by TT.
Protein change: p.Glu980_Ala981delinsAspSer.
Molecular consequence: missense variant. On other transcripts: non-coding transcript variant (1).
Genome position (GRCh38, 1-based): chr19:50,416,515-50,416,516, GG replaced by TT. VCF-style: chr19-50416515-GG-TT. GRCh37 (hg19) VCF-style: chr19-50919772-GG-TT.
Other names: c.2940_2941delinsTT, p.Glu980_Ala981delinsAspSer (NM_001256849.1); c.3018_3019delinsTT, p.Glu1006_Ala1007delinsAspSer (NM_001308632.1).
Identifiers: ClinVar variation 1463261 (VCV001463261.6), dbSNP rs2122492539, ClinGen allele CA2573156755.

ClinVar aggregate classification (germline): Uncertain significance (1 of 4 stars; one submission).

Conditions:
POLD1-related polyposis and colorectal cancer syndrome (CRCS10). Also called: Colorectal cancer 10; COLORECTAL CANCER, SUSCEPTIBILITY TO, ON CHROMOSOME 19q; Colorectal cancer, susceptibility to, 10. Identifiers: Orphanet 220460, MedGen C2675481, MONDO:0012953, OMIM 612591.

Submission:

Labcorp Genetics (formerly Invitae), Labcorp
Classification: Uncertain significance for POLD1-related polyposis and colorectal cancer syndrome. Last evaluated: 2021-10-03. Review status: criteria provided, single submitter. Criteria: Invitae Variant Classification Sherloc (09022015). Collection method: clinical testing. Allele origin: germline.
Comment: In summary, the available evidence is currently insufficient to determine the role of this variant in disease. Therefore, it has been classified as a Variant of Uncertain Significance. Experimental studies and prediction algorithms are not available or were not evaluated, and the functional significance of this variant is currently unknown. This variant has not been reported in the literature in individuals affected with POLD1-related conditions. The frequency data for this variant in the population databases is not available, as this variant may be reported as separate entries in the ExAC database. This variant, c.2940_2941delinsTT, is a complex sequence change that results in the deletion of 2 and insertion of 2 amino acid(s) in the POLD1 protein (p.Glu980_Ala981delinsAspSer).